The following is an entry in ClinVar:

NM_016213.5(TRIP4):c.101+8C>T

Gene: TRIP4 (thyroid hormone receptor interactor 4; plus strand). Cytogenetic location: 15q22.31.
Variant type: single nucleotide variant.
Coding change: c.101+8C>T on transcript NM_016213.5 (MANE Select); 8 bases into the intron after coding-DNA position 101, C replaced by T.
Molecular consequence: intron variant. On other transcripts: 5 prime UTR variant (1).
Genome position (GRCh38, 1-based): chr15:64,387,972, C>T. VCF-style: chr15-64387972-C-T. GRCh37 (hg19) VCF-style: chr15-64680171-C-T.
Other names: c.-666C>T (NM_001321924.2).
Identifiers: ClinVar variation 725010 (VCV000725010.11), dbSNP rs114592123, ClinGen allele CA7609275.
Genomic context (GRCh38, chr15:64,387,972, plus strand): 5'-ACCCAGCAGTTGCGGAAGACTTTCGGCCTGGATGTCAGCGAGGAGATCATTCAGTGAGAA[C>T]AGTTCGGGTCCAAGCGGGGAAGGAGCTCTGGGATGTGCACTGCCTGAGCGAACCGGGAAG-3'

ClinVar aggregate classification (germline): Likely benign. Review status: criteria provided, single submitter (1 of 4 stars). 2 submissions from 2 submitters: Likely benign (1). 1 of the submissions does not count toward it. Last evaluated 2025-10-12.

Conditions:
TRIP4-related disorder. Also called: TRIP4-related condition; TRIP4-related disorders.

Allele frequency attached by ClinVar (database versions not stated): gnomAD exomes 0.00012 and 0.00022; ExAC 0.00075; gnomAD 0.00085 and 0.00089; TOPMed 0.00096; ESP Exome Variant Server 0.00107; 1000 Genomes Project 0.00120; 1000 Genomes Project 30x 0.00156.
gnomAD v4.1: 289 of 1,546,134 alleles (0.019%); highest among the groups gnomAD compares: African/African-American, 0.31%; 1 homozygote.

Submissions (2):

Labcorp Genetics (formerly Invitae), Labcorp
Classification: Likely benign. Last evaluated: 2025-10-12. Review status: criteria provided, single submitter. Criteria: Invitae Variant Classification Sherloc (09022015). Collection method: clinical testing. Allele origin: germline.

PreventionGenetics, part of Exact Sciences
Classification: Likely benign for TRIP4-related condition. Last evaluated: 2020-09-30. Review status: no assertion criteria provided. Collection method: clinical testing. Allele origin: germline. Not counted in ClinVar's aggregate classification.
Comment: This variant is classified as likely benign based on ACMG/AMP sequence variant interpretation guidelines (Richards et al. 2015 PMID: 25741868, with internal and published modifications).